The following is an entry in ClinVar:

ClinVar aggregate classification (germline): Uncertain significance. Review status: criteria provided, multiple submitters, no conflicts (2 of 4 stars). 3 submissions from 3 submitters: Uncertain significance (3). Last evaluated 2025-12-30.

Conditions:
Inborn genetic diseases. Identifiers: MedGen C0950123, MeSH D030342.
Renal-hepatic-pancreatic dysplasia 2 (RHPD2). Identifiers: MedGen C3809434, MONDO:0014174, OMIM 615415.
Nephronophthisis 9 (NPHP9). Identifiers: Orphanet 655, MedGen C3151188, MONDO:0013444, OMIM 613824.

Allele frequency attached by ClinVar (database versions not stated): ExAC 0.00005; gnomAD 0.00005 and 0.00006; TOPMed 0.00006; gnomAD exomes 0.00007; ESP Exome Variant Server 0.00015.
gnomAD v4.1: 87 of 1,613,626 alleles (0.0054%); highest among the groups gnomAD compares: Non-Finnish European, 0.0067%; no homozygotes.

Submissions (3):

Labcorp Genetics (formerly Invitae), Labcorp
Classification: Uncertain significance for Nephronophthisis 9. Last evaluated: 2025-12-30. Review status: criteria provided, single submitter. Criteria: Invitae Variant Classification Sherloc (09022015). Collection method: clinical testing. Allele origin: germline.
Comment: This sequence change replaces arginine, which is basic and polar, with tryptophan, which is neutral and slightly polar, at codon 326 of the NEK8 protein (p.Arg326Trp). This variant is present in population databases (rs56286645, gnomAD 0.009%). This variant has not been reported in the literature in individuals affected with NEK8-related conditions. ClinVar contains an entry for this variant (Variation ID: 642736). An algorithm developed to predict the effect of missense changes on protein structure and function (PolyPhen-2) suggests that this variant is likely to be disruptive. In summary, the available evidence is currently insufficient to determine the role of this variant in disease. Therefore, it has been classified as a Variant of Uncertain Significance.

Ambry Genetics
Classification: Uncertain significance for Inborn genetic diseases. Last evaluated: 2025-08-07. Review status: criteria provided, single submitter. Criteria: Ambry Variant Classification Scheme 2023. Collection method: clinical testing. Allele origin: germline.

Fulgent Genetics
Classification: Uncertain significance for Nephronophthisis 9; Renal-hepatic-pancreatic dysplasia 2. Last evaluated: 2022-05-18. Review status: criteria provided, single submitter. Criteria: ACMG Guidelines, 2015. Collection method: clinical testing. Allele origin: unknown.

NM_178170.3(NEK8):c.976C>T (p.Arg326Trp)

Gene: NEK8 (NIMA related kinase 8; plus strand). Cytogenetic location: 17q11.2.
Variant type: single nucleotide variant.
Coding change: c.976C>T on transcript NM_178170.3 (MANE Select); coding-DNA position 976, C replaced by T.
Protein change: p.Arg326Trp; replaces arginine 326 with tryptophan.
Molecular consequence: missense variant.
Genome position (GRCh38, 1-based): chr17:28,737,905, C>T. VCF-style: chr17-28737905-C-T. GRCh37 (hg19) VCF-style: chr17-27064923-C-T.
Other names: short protein forms R326W.
Identifiers: ClinVar variation 642736 (VCV000642736.9), dbSNP rs56286645, ClinGen allele CA8467258.